The following is an entry in ClinVar:

NM_001394073.1(HS6ST2):c.18T>A (p.Cys6Ter)

Gene: HS6ST2 (heparan sulfate 6-O-sulfotransferase 2; minus strand). Cytogenetic location: Xq26.2.
Variant type: single nucleotide variant.
Coding change: c.18T>A on transcript NM_001394073.1 (MANE Select); coding-DNA position 18, T replaced by A.
Protein change: p.Cys6Ter; replaces cysteine 6 with a stop codon.
Molecular consequence: nonsense.
Genome position (GRCh38, 1-based): chrX:132,958,585, A>T on the plus strand (T>A on the coding strand, the complement: HS6ST2 is on the minus strand). VCF-style: chrX-132958585-A-T. GRCh37 (hg19) VCF-style: chrX-132092613-A-T.
Other names: c.18T>A, p.Cys6Ter (NM_001077188.2, NM_001394074.1, NM_147175.4); short protein forms C6*.
Identifiers: ClinVar variation 3242065 (VCV003242065.1), dbSNP rs1292550156.

ClinVar aggregate classification (germline): Uncertain significance (1 of 4 stars; one submission).

Conditions:
Paganini-Miozzo syndrome. Also called: MENTAL RETARDATION, X-LINKED, SYNDROMIC, PAGANINI-MIOZZO TYPE. Identifiers: MedGen C5193010, MONDO:0026724, OMIM 301025.

Allele frequency attached by ClinVar (database versions not stated): gnomAD exomes 0.00001; TOPMed 0.00001.
gnomAD v4.1: 12 of 1,175,754 alleles (0.001%); highest among the groups gnomAD compares: South Asian, 0.023%; no homozygotes.

Submission:

Neuberg Centre For Genomic Medicine, NCGM
Classification: Uncertain significance for Paganini-Miozzo syndrome. Review status: criteria provided, single submitter. Criteria: ACMG Guidelines, 2015. Collection method: clinical testing. Allele origin: germline. Inheritance: X-linked recessive inheritance. Affected: yes.
Comment: The stop gained variant c.18T>A (p.Cys6Ter) in the HS6ST2 gene has not been reported previously as a pathogenic variant nor as a benign variant, to our knowledge. The variant has 0.0008% allele frequency in gnomAD Exomes. This variant is predicted to cause a loss of normal protein function through protein truncation. Loss of function variants has not been previously reported to be disease causing. For these reasons, this variant has been classified as Uncertain Significance.